The following is an entry in ClinVar:

NM_000038.6(APC):c.220+10A>C

Gene: APC (APC regulator of Wnt signaling pathway; plus strand). Cytogenetic location: 5q22.2.
Variant type: single nucleotide variant.
Coding change: c.220+10A>C on transcript NM_000038.6 (MANE Select); 10 bases into the intron after coding-DNA position 220, A replaced by C.
Molecular consequence: intron variant.
Genome position (GRCh38, 1-based): chr5:112,766,420, A>C. VCF-style: chr5-112766420-A-C. GRCh37 (hg19) VCF-style: chr5-112102117-A-C.
Other names: c.-816+10A>C (NM_001407470.1, NM_001407472.1, NM_001354906.2 and 1 more transcripts); c.220+10A>C (NM_001407447.1, NM_001354895.2, NM_001407456.1 and 16 more transcripts); c.250+10A>C (NM_001407446.1, NM_001354897.2, NM_001354902.2 and 1 more transcripts); c.43+10A>C (NM_001407453.1, NM_001354900.2, NM_001354901.2 and 1 more transcripts); c.145+10A>C (NM_001407451.1, NM_001354898.2, NM_001354904.2).
Identifiers: ClinVar variation 2717095 (VCV002717095.4), dbSNP rs1350313665, ClinGen allele CA2697546179.

ClinVar aggregate classification (germline): Likely benign. Review status: criteria provided, multiple submitters, no conflicts (2 of 4 stars). 2 submissions from 2 submitters: Likely benign (2). Last evaluated 2024-02-22.

Conditions:
Familial adenomatous polyposis 1 (FAP1). Also called: FAMILIAL ADENOMATOUS POLYPOSIS 1, ATTENUATED; POLYPOSIS, ADENOMATOUS INTESTINAL. Identifiers: MedGen C2713442, MONDO:0021056, OMIM 175100. Disease mechanism: loss of function.

Submissions (2):

Myriad Genetics, Inc.
Classification: Likely benign for Familial adenomatous polyposis 1. Last evaluated: 2024-02-22. Review status: criteria provided, single submitter. Criteria: Myriad Autosomal Dominant, Autosomal Recessive and X-Linked Classification Criteria (2023). Collection method: clinical testing. Allele origin: unknown.
Comment: This variant is considered likely benign. This variant is intronic and is not expected to impact mRNA splicing.

Labcorp Genetics (formerly Invitae), Labcorp
Classification: Likely benign for Familial adenomatous polyposis 1. Last evaluated: 2023-06-16. Review status: criteria provided, single submitter. Criteria: Invitae Variant Classification Sherloc (09022015). Collection method: clinical testing. Allele origin: germline.